The following is an entry in ClinVar:

ClinVar aggregate classification (germline): Benign/Likely benign. Review status: criteria provided, multiple submitters, no conflicts (2 of 4 stars). 3 submissions from 3 submitters: Benign (1); Likely benign (2). Last evaluated 2024-07-22.

Conditions:
Hereditary cancer-predisposing syndrome. Also called: Tumor predisposition; Neoplastic Syndromes, Hereditary; Hereditary Cancer Syndrome; Hereditary neoplastic syndrome. Identifiers: Orphanet 140162, MedGen C0027672, MeSH D009386, MONDO:0015356.
Familial cancer of breast. Also called: BREAST CANCER, FAMILIAL; hereditary breast carcinoma; Hereditary breast cancer. Identifiers: Orphanet 227535, MedGen C0346153, MONDO:0016419, OMIM 114480. Disease mechanism: loss of function.

Submissions (3):

Myriad Genetics, Inc.
Classification: Benign for Familial cancer of breast. Last evaluated: 2024-07-22. Review status: criteria provided, single submitter. Criteria: Myriad Autosomal Dominant, Autosomal Recessive and X-Linked Classification Criteria (2023). Collection method: clinical testing. Allele origin: unknown.
Comment: This variant is considered benign. This variant is a silent/synonymous amino acid change and it is not expected to impact splicing.

Labcorp Genetics (formerly Invitae), Labcorp
Classification: Likely benign for Familial cancer of breast. Last evaluated: 2024-06-05. Review status: criteria provided, single submitter. Criteria: Invitae Variant Classification Sherloc (09022015). Collection method: clinical testing. Allele origin: germline.

Ambry Genetics
Classification: Likely benign for Hereditary cancer-predisposing syndrome. Last evaluated: 2021-02-27. Review status: criteria provided, single submitter. Criteria: Ambry Variant Classification Scheme 2023. Collection method: clinical testing. Allele origin: germline.

NM_000465.4(BARD1):c.486A>G (p.Ser162=)

Gene: BARD1 (BRCA1 associated RING domain 1; minus strand). Cytogenetic location: 2q35.
Variant type: single nucleotide variant.
Coding change: c.486A>G on transcript NM_000465.4 (MANE Select); coding-DNA position 486, A replaced by G.
Protein change: p.Ser162=; no amino-acid change (serine 162 retained).
Molecular consequence: synonymous variant. On other transcripts: non-coding transcript variant (2), intron variant (3).
Genome position (GRCh38, 1-based): chr2:214,781,388, T>C on the plus strand (A>G on the coding strand, the complement: BARD1 is on the minus strand). VCF-style: chr2-214781388-T-C. GRCh37 (hg19) VCF-style: chr2-215646112-T-C.
Other names: c.429A>G, p.Ser143= (NM_001282543.2); c.158+28024A>G (NM_001282548.2); c.215+15673A>G (NM_001282545.2); c.364+10909A>G (NM_001282549.2).
Identifiers: ClinVar variation 764253 (VCV000764253.12), dbSNP rs1574821298, ClinGen allele CA431135885.
Genomic context (GRCh38, chr2:214,781,388, plus strand): 5'-AAATTCATATGAGTCTTGCTGAGCACTTGCATCTTTTTTTATTGCAGGCTGGGTTTGCAC[T>C]GAAGCTTTACTCACAACATATCTGACTTTCTTACTTCGAGGGCTAAACCACATTTTAATT-3'
Protein context (NP_000456.2, residues 152-172): KKVRYVVSKA[Ser162=]VQTQPAIKKD